The following is an entry in ClinVar:

NM_004211.5(SLC6A5):c.2258C>A (p.Ser753Ter)

Gene: SLC6A5 (solute carrier family 6 member 5; plus strand). Cytogenetic location: 11p15.1.
Variant type: single nucleotide variant.
Coding change: c.2258C>A on transcript NM_004211.5 (MANE Select); coding-DNA position 2258, C replaced by A.
Protein change: p.Ser753Ter; replaces serine 753 with a stop codon.
Molecular consequence: nonsense.
Genome position (GRCh38, 1-based): chr11:20,654,732, C>A. VCF-style: chr11-20654732-C-A. GRCh37 (hg19) VCF-style: chr11-20676278-C-A.
Other names: c.1556C>A, p.Ser519Ter (NM_001318369.2); short protein forms S753*, S519*.
Identifiers: ClinVar variation 1434933 (VCV001434933.8), dbSNP rs1715297, ClinGen allele CA379916579.

ClinVar aggregate classification (germline): Uncertain significance (1 of 4 stars; one submission).

Conditions:
Hyperekplexia 3 (HKPX3). Also called: HYPEREKPLEXIA 3, AUTOSOMAL RECESSIVE; HYPEREKPLEXIA 3, AUTOSOMAL DOMINANT. Identifiers: Orphanet 3197, MedGen C3553288, MONDO:0013827, OMIM 614618.

Submission:

Labcorp Genetics (formerly Invitae), Labcorp
Classification: Uncertain significance for Hyperekplexia 3. Last evaluated: 2021-03-10. Review status: criteria provided, single submitter. Criteria: Invitae Variant Classification Sherloc (09022015). Collection method: clinical testing. Allele origin: germline.
Comment: In summary, the available evidence is currently insufficient to determine the role of this variant in disease. Therefore, it has been classified as a Variant of Uncertain Significance. This variant disrupts a region of the protein in which other variant(s) (p.Arg766Cys) have been observed in individuals with SLC6A5-related conditions (Invitae). This suggests that this may be a clinically significant region of the SLC6A5 protein. This variant has not been reported in the literature in individuals with SLC6A5-related conditions. This variant is not present in population databases (ExAC no frequency). This sequence change creates a premature translational stop signal (p.Ser753*) in the SLC6A5 gene. While this is not anticipated to result in nonsense mediated decay, it is expected to disrupt the last 45 amino acid(s) of the SLC6A5 protein.